The following is an entry in ClinVar:

ClinVar aggregate classification (germline): Likely pathogenic (1 of 4 stars; one submission).

Conditions:
Ulnar-mammary syndrome (UMS). Also called: SCHINZEL SYNDROME; Ulnar-mammary syndrome of Pallister; PALLISTER ULNAR-MAMMARY SYNDROME. Identifiers: Orphanet 3138, MedGen C1866994, MONDO:0008411, OMIM 181450.

Submission:

3billion
Classification: Likely pathogenic for Ulnar-mammary syndrome. Last evaluated: 2023-02-23. Review status: criteria provided, single submitter. Criteria: ACMG Guidelines, 2015. Collection method: clinical testing. Allele origin: unknown. Affected: yes.
Comment: The variant is not observed in the gnomAD v2.1.1 dataset. This variant was predicted to result in a loss or disruption of normal protein function through nonsense-mediated decay (NMD) or protein truncation. Multiple pathogenic variants are reported downstream of the variant. Therefore, this variant is classified as Likely pathogenic according to the recommendation of ACMG/AMP guideline.

NM_005996.4(TBX3):c.1170dup (p.Ala391fs)

Gene: TBX3 (T-box transcription factor 3; minus strand). Cytogenetic location: 12q24.21.
Variant type: Duplication.
Coding change: c.1170dup on transcript NM_005996.4 (MANE Select); coding-DNA position 1170, one base duplicated (C; older notation c.1170dupC).
Protein change: p.Ala391fs; shifts the reading frame from alanine 391.
Molecular consequence: frameshift variant.
Genome position (GRCh38, 1-based): chr12:114,674,705, G duplicated on the plus strand (C on the coding strand, the reverse complement: TBX3 is on the minus strand); the first of 4 consecutive G bases (chr12:114,674,705-114,674,708); duplicating any one gives the same sequence. VCF-style (leftmost placement, unchanged base first): chr12-114674704-C-CG. GRCh37 (hg19) VCF-style: chr12-115112509-C-CG.
Other names: c.1230dup, p.Ala411fs (NM_016569.4); short protein forms A391fs, A411fs.
Identifiers: ClinVar variation 2444419 (VCV002444419.1), dbSNP rs2499787857, ClinGen allele CA2580085846.